The following is an entry in ClinVar:

NM_006922.4(SCN3A):c.1290G>C (p.Gln430His)

Gene: SCN3A (sodium voltage-gated channel alpha subunit 3; minus strand). Cytogenetic location: 2q24.3.
Variant type: single nucleotide variant.
Coding change: c.1290G>C on transcript NM_006922.4 (MANE Select); coding-DNA position 1290, G replaced by C.
Protein change: p.Gln430His; replaces glutamine 430 with histidine.
Molecular consequence: missense variant.
Genome position (GRCh38, 1-based): chr2:165,154,542, C>G on the plus strand (G>C on the coding strand, the complement: SCN3A is on the minus strand). VCF-style: chr2-165154542-C-G. GRCh37 (hg19) VCF-style: chr2-166011052-C-G.
Other names: c.1290G>C, p.Gln430His (NM_001081676.2, NM_001081677.2); short protein forms Q430H.
Identifiers: ClinVar variation 3641122 (VCV003641122.2).
Genomic context (GRCh38, chr2:165,154,542, plus strand): 5'-TTCGAGCATCTGCTGAAATTCGGCCTCTTTTTGTTCTGCTTCTTCCAAGGTGGCCTGATT[C>G]TGCTCCTCATAGGCCATGGCCACCACAGCCAGGATCAAATTCACCAAATAAAATGAGCCC-3'
Protein context (NP_008853.3, residues 420-440): LAVVAMAYEE[Gln430His]NQATLEEAEQ

ClinVar aggregate classification (germline): Uncertain significance (1 of 4 stars; one submission).

Submission:

Labcorp Genetics (formerly Invitae), Labcorp
Classification: Uncertain significance. Last evaluated: 2024-02-15. Review status: criteria provided, single submitter. Criteria: Invitae Variant Classification Sherloc (09022015). Collection method: clinical testing. Allele origin: germline.
Comment: This sequence change replaces glutamine, which is neutral and polar, with histidine, which is basic and polar, at codon 430 of the SCN3A protein (p.Gln430His). This variant is not present in population databases (gnomAD no frequency). This variant has not been reported in the literature in individuals affected with SCN3A-related conditions. Advanced modeling of protein sequence and biophysical properties (such as structural, functional, and spatial information, amino acid conservation, physicochemical variation, residue mobility, and thermodynamic stability) has been performed at Invitae for this missense variant, however the output from this modeling did not meet the statistical confidence thresholds required to predict the impact of this variant on SCN3A protein function. In summary, the available evidence is currently insufficient to determine the role of this variant in disease. Therefore, it has been classified as a Variant of Uncertain Significance.